The following is an entry in ClinVar:

ClinVar aggregate classification (germline): Pathogenic (1 of 4 stars; one submission).

Conditions:
Duchenne muscular dystrophy (DMD). Also called: Duchenne Muscular Dystrophy (DMD); MUSCULAR DYSTROPHY, PSEUDOHYPERTROPHIC PROGRESSIVE, DUCHENNE TYPE. Identifiers: Orphanet 98896, MedGen C0013264, MONDO:0010679, OMIM 310200.

Submission:

Labcorp Genetics (formerly Invitae), Labcorp
Classification: Pathogenic for Duchenne muscular dystrophy. Last evaluated: 2021-07-21. Review status: criteria provided, single submitter. Criteria: Invitae Variant Classification Sherloc (09022015). Collection method: clinical testing. Allele origin: germline.
Comment: This variant is an in-frame deletion of the genomic region encompassing exons 45-55 of the DMD gene. It preserves the integrity of the reading frame. This variant has been reported in several individuals affected with Duchenne or Becker muscular dystrophy (PMID: 22090376, 11257468, 26911353, 18752307, 20683981,¬†16030524) and in individuals affected with dilated cardiomyopathy (PMID: 18261911). For these reasons, this variant has been classified as Pathogenic.

Literature cited by the submitters: PubMed 22090376; PubMed 11257468; PubMed 26911353; PubMed 18752307; PubMed 20683981; PubMed 18261911.

NC_000023.11:g.(?_31595570)_(31968524_?)del

Gene: DMD (dystrophin; minus strand). Cytogenetic location: Xp21.1.
Variant type: Deletion.
Identifiers: ClinVar variation 832391 (VCV000832391.2).